The following is an entry in ClinVar:

NM_152713.5(STT3A):c.1193A>G (p.Tyr398Cys)

Gene: STT3A (STT3 oligosaccharyltransferase complex catalytic subunit A; plus strand). Cytogenetic location: 11q24.2.
Variant type: single nucleotide variant.
Coding change: c.1193A>G on transcript NM_152713.5 (MANE Select); coding-DNA position 1193, A replaced by G.
Protein change: p.Tyr398Cys; replaces tyrosine 398 with cysteine.
Molecular consequence: missense variant.
Genome position (GRCh38, 1-based): chr11:125,611,503, A>G. VCF-style: chr11-125611503-A-G. GRCh37 (hg19) VCF-style: chr11-125481398-A-G.
Other names: c.1193A>G, p.Tyr398Cys (NM_001278503.2); c.917A>G, p.Tyr306Cys (NM_001278504.2); short protein forms Y306C, Y398C.
Identifiers: ClinVar variation 2664988 (VCV002664988.2), dbSNP rs2498169899, ClinGen allele CA383185468.

ClinVar aggregate classification (germline): Uncertain significance (1 of 4 stars; one submission).

Conditions:
Congenital disorder of glycosylation, type Iw, autosomal dominant (CDG1WAD). Identifiers: MedGen C5562068, MONDO:0859223, OMIM 619714.

Submission:

Institute of Human Genetics, University of Leipzig Medical Center
Classification: Uncertain significance for Congenital disorder of glycosylation, type Iw, autosomal dominant. Last evaluated: 2023-11-28. Review status: criteria provided, single submitter. Criteria: ACMG Guidelines, 2015. Collection method: clinical testing. Allele origin: unknown. Inheritance: Autosomal dominant inheritance. Affected: yes.
Comment: Criteria applied: PM2_SUP,PP2,PP3